The following is an entry in ClinVar:

NM_005076.5(CNTN2):c.959G>A (p.Arg320His)

Gene: CNTN2 (contactin 2; plus strand). Cytogenetic location: 1q32.1.
Variant type: single nucleotide variant.
Coding change: c.959G>A on transcript NM_005076.5 (MANE Select); coding-DNA position 959, G replaced by A.
Protein change: p.Arg320His; replaces arginine 320 with histidine.
Molecular consequence: missense variant. On other transcripts: non-coding transcript variant (1).
Genome position (GRCh38, 1-based): chr1:205,061,406, G>A. VCF-style: chr1-205061406-G-A. GRCh37 (hg19) VCF-style: chr1-205030534-G-A.
Other names: c.959G>A, p.Arg320His (NM_001346083.2); short protein forms R320H.
Identifiers: ClinVar variation 1407945 (VCV001407945.6), dbSNP rs769682523, ClinGen allele CA1351200.
Genomic context (GRCh38, chr1:205,061,406, plus strand): 5'-ATGAGGGCACCTACGAGTGTGAGGCGGAGAACTCCAAGGGCCGAGACACCGTGCAGGGCC[G>A]CATCATCGTGCAGGGTACAGAGCCAGGGACACCTTCTCCGCCCCTCCCGACCCCCCTTCC-3'
Protein context (NP_005067.1, residues 310-330): NSKGRDTVQG[Arg320His]IIVQAQPEWL

ClinVar aggregate classification (germline): Uncertain significance (1 of 4 stars; one submission).

Conditions:
Epilepsy, familial adult myoclonic, 5 (EPEO5). Also called: CORTICAL MYOCLONIC TREMOR WITH EPILEPSY, FAMILIAL, 5. Identifiers: Orphanet 86814, MedGen C3809374, MONDO:0014167, OMIM 615400.

Allele frequency attached by ClinVar (database versions not stated): TOPMed below 0.00001; gnomAD 0.00001 and 0.00002; ExAC 0.00007.
gnomAD v4.1: 29 of 1,609,804 alleles (0.0018%); highest among the groups gnomAD compares: South Asian, 0.0055%; no homozygotes.

Submission:

Labcorp Genetics (formerly Invitae), Labcorp
Classification: Uncertain significance for Epilepsy, familial adult myoclonic, 5. Last evaluated: 2021-10-20. Review status: criteria provided, single submitter. Criteria: Invitae Variant Classification Sherloc (09022015). Collection method: clinical testing. Allele origin: germline.
Comment: Advanced modeling of protein sequence and biophysical properties (such as structural, functional, and spatial information, amino acid conservation, physicochemical variation, residue mobility, and thermodynamic stability) performed at Invitae indicates that this missense variant is not expected to disrupt CNTN2 protein function. This variant has not been reported in the literature in individuals affected with CNTN2-related conditions. This variant is present in population databases (rs769682523, ExAC 0.03%). This sequence change replaces arginine with histidine at codon 320 of the CNTN2 protein (p.Arg320His). The arginine residue is highly conserved and there is a small physicochemical difference between arginine and histidine. In summary, the available evidence is currently insufficient to determine the role of this variant in disease. Therefore, it has been classified as a Variant of Uncertain Significance.